The following is an entry in ClinVar:

NM_000059.4(BRCA2):c.7805+2T>A

Gene: BRCA2 (BRCA2 DNA repair associated; plus strand). Cytogenetic location: 13q13.1.
Variant type: single nucleotide variant.
Coding change: c.7805+2T>A on transcript NM_000059.4 (MANE Select); the canonical splice donor site of the intron after coding-DNA position 7805, T replaced by A.
Molecular consequence: splice donor variant.
Genome position (GRCh38, 1-based): chr13:32,357,931, T>A. VCF-style: chr13-32357931-T-A. GRCh37 (hg19) VCF-style: chr13-32932068-T-A.
Other names: c.7805+2T>A (NM_001406720.1); c.7709+2T>A (NM_001406719.1); c.2873+2T>A (NM_001406721.1); c.1388+2T>A (NM_001406722.1).
Identifiers: ClinVar variation 1330048 (VCV001330048.2), dbSNP rs886040941, ClinGen allele CA387746187.

ClinVar aggregate classification (germline): Likely pathogenic (1 of 4 stars; one submission).

Submission:

Quest Diagnostics Nichols Institute San Juan Capistrano
Classification: Likely pathogenic. Last evaluated: 2020-12-23. Review status: criteria provided, single submitter. Criteria: Quest Diagnostics criteria. Collection method: clinical testing. Allele origin: unknown.
Comment: This variant is located in a canonical splice-donor site and is predicted to interfere with normal BRCA2 mRNA splicing. To the best of our knowledge, the variant has not been reported in the published literature. Based on the available information, this variant is classified as likely pathogenic.